The following is an entry in ClinVar:

NM_003200.5(TCF3):c.634G>C (p.Ala212Pro)

Gene: TCF3 (transcription factor 3; minus strand). Cytogenetic location: 19p13.3.
Variant type: single nucleotide variant.
Coding change: c.634G>C on transcript NM_003200.5 (MANE Select); coding-DNA position 634, G replaced by C.
Protein change: p.Ala212Pro; replaces alanine 212 with proline.
Molecular consequence: missense variant.
Genome position (GRCh38, 1-based): chr19:1,622,331, C>G on the plus strand (G>C on the coding strand, the complement: TCF3 is on the minus strand). VCF-style: chr19-1622331-C-G. GRCh37 (hg19) VCF-style: chr19-1622330-C-G.
Other names: c.634G>C, p.Ala212Pro (NM_001136139.4, NM_001351778.2, NM_001351779.2); short protein forms A212P.
Identifiers: ClinVar variation 3603505 (VCV003603505.2).

ClinVar aggregate classification (germline): Uncertain significance (1 of 4 stars; one submission).

gnomAD v4.1: 7 of 1,410,434 alleles (0.0005%); highest among the groups gnomAD compares: Non-Finnish European, 0.00047%; no homozygotes.

Submission:

Labcorp Genetics (formerly Invitae), Labcorp
Classification: Uncertain significance. Last evaluated: 2024-06-15. Review status: criteria provided, single submitter. Criteria: Invitae Variant Classification Sherloc (09022015). Collection method: clinical testing. Allele origin: germline.
Comment: This sequence change replaces alanine, which is neutral and non-polar, with proline, which is neutral and non-polar, at codon 212 of the TCF3 protein (p.Ala212Pro). This variant is not present in population databases (gnomAD no frequency). This variant has not been reported in the literature in individuals affected with TCF3-related conditions. Advanced modeling of protein sequence and biophysical properties (such as structural, functional, and spatial information, amino acid conservation, physicochemical variation, residue mobility, and thermodynamic stability) performed at Invitae indicates that this missense variant is not expected to disrupt TCF3 protein function with a negative predictive value of 80%. In summary, the available evidence is currently insufficient to determine the role of this variant in disease. Therefore, it has been classified as a Variant of Uncertain Significance.